The following is an entry in ClinVar:

NM_002439.5(MSH3):c.3061T>G (p.Tyr1021Asp)

Gene: MSH3 (mutS homolog 3; plus strand). Cytogenetic location: 5q14.1.
Variant type: single nucleotide variant.
Coding change: c.3061T>G on transcript NM_002439.5 (MANE Select); coding-DNA position 3061, T replaced by G.
Protein change: p.Tyr1021Asp; replaces tyrosine 1021 with aspartic acid.
Molecular consequence: missense variant.
Genome position (GRCh38, 1-based): chr5:80,864,873, T>G. VCF-style: chr5-80864873-T-G. GRCh37 (hg19) VCF-style: chr5-80160692-T-G.
Other names: short protein forms Y1021D.
Identifiers: ClinVar variation 1000592 (VCV001000592.8), dbSNP rs1580098615, ClinGen allele CA360346269.

ClinVar aggregate classification (germline): Uncertain significance (1 of 4 stars; one submission).

Submission:

Labcorp Genetics (formerly Invitae), Labcorp
Classification: Uncertain significance. Last evaluated: 2018-06-20. Review status: criteria provided, single submitter. Criteria: Invitae Variant Classification Sherloc (09022015). Collection method: clinical testing. Allele origin: germline.
Comment: In summary, the available evidence is currently insufficient to determine the role of this variant in disease. Therefore, it has been classified as a Variant of Uncertain Significance. Algorithms developed to predict the effect of missense changes on protein structure and function are either unavailable or do not agree on the potential impact of this missense change (SIFT: "Deleterious"; PolyPhen-2: "Probably Damaging"; Align-GVGD: "Class C0"). This sequence change replaces tyrosine with aspartic acid at codon 1021 of the MSH3 protein (p.Tyr1021Asp). The tyrosine residue is moderately conserved and there is a large physicochemical difference between tyrosine and aspartic acid. This variant is not present in population databases (ExAC no frequency). This variant has not been reported in the literature in individuals with MSH3-related disease.